The following is an entry in ClinVar:

NM_015374.3(SUN2):c.1518A>G (p.Glu506=)

Genes: GTPBP1 (GTP binding protein 1; plus strand), SUN2 (Sad1 and UNC84 domain containing 2; minus strand). Cytogenetic location: 22q13.1.
Variant type: single nucleotide variant.
Coding change: c.1518A>G on transcript NM_015374.3 (MANE Select); coding-DNA position 1518, A replaced by G.
Protein change: p.Glu506=; no amino-acid change (glutamic acid 506 retained).
Molecular consequence: synonymous variant.
Genome position (GRCh38, 1-based): chr22:38,739,782, T>C on the plus strand (A>G on the coding strand, the complement: SUN2 is on the minus strand). VCF-style: chr22-38739782-T-C. GRCh37 (hg19) VCF-style: chr22-39135787-T-C.
Other names: c.942A>G, p.Glu314= (NM_001394445.1, NM_001394444.1); c.1581A>G, p.Glu527= (NM_001199579.2, NM_001394428.1); c.1518A>G, p.Glu506= (NM_001199580.2, NM_001394431.1, NM_001394432.1 and 5 more transcripts); c.1611A>G, p.Glu537= (NM_001394427.1); c.1563A>G, p.Glu521= (NM_001394429.1, NM_001394430.1); c.1428A>G, p.Glu476= (NM_001394438.1); c.1380A>G, p.Glu460= (NM_001394439.1, NM_001394440.1, NM_001394441.1); c.1119A>G, p.Glu373= (NM_001394442.1); and 1 more.
Identifiers: ClinVar variation 3234345 (VCV003234345.20), dbSNP rs2517979019, ClinGen allele CA514580731.
Genomic context (GRCh38, chr22:38,739,782, plus strand): 5'-CTCCTCTGTCACTCCAATCACACCTTCTTTCTGCAGCGTCAGGCTCAGGGAGGCCGCGGC[T>C]TCCCTGGCCGACTTGCCCTGCATCTCTGCCACATGGGTGAGGATCTTGCTCTCCAGCTCT-3'
Protein context (NP_056189.1, residues 496-516): VAEMQGKSAR[Glu506=]AAASLSLTLQ

ClinVar aggregate classification (germline): Likely benign (1 of 4 stars; one submission).

Submission:

CeGaT Center for Human Genetics Tuebingen
Classification: Likely benign. Last evaluated: 2024-03-01. Review status: criteria provided, single submitter. Criteria: CeGaT Center For Human Genetics Tuebingen Variant Classification Criteria Version 2. Collection method: clinical testing. Allele origin: germline. Affected: yes. Observed: 1 variant allele.
Comment: SUN2: PM2:Supporting, BP4, BP7